The following is an entry in ClinVar:

ClinVar aggregate classification (germline): Uncertain significance. Review status: criteria provided, multiple submitters, no conflicts (2 of 4 stars). 4 submissions from 4 submitters: Uncertain significance (4). Last evaluated 2025-12-21.

Conditions:
Hereditary cancer-predisposing syndrome. Also called: Neoplastic Syndromes, Hereditary; Tumor predisposition; Hereditary Cancer Syndrome; Hereditary neoplastic syndrome. Identifiers: Orphanet 140162, MedGen C0027672, MeSH D009386, MONDO:0015356.
Familial adenomatous polyposis 1 (FAP1). Also called: FAMILIAL ADENOMATOUS POLYPOSIS 1, ATTENUATED; POLYPOSIS, ADENOMATOUS INTESTINAL. Identifiers: MedGen C2713442, MONDO:0021056, OMIM 175100. Disease mechanism: loss of function.

Submissions (4):

Labcorp Genetics (formerly Invitae), Labcorp
Classification: Uncertain significance for Familial adenomatous polyposis 1. Last evaluated: 2025-12-21. Review status: criteria provided, single submitter. Criteria: Invitae Variant Classification Sherloc (09022015). Collection method: clinical testing. Allele origin: germline.
Comment: This variant, c.7130_7144del, results in the deletion of 5 amino acid(s) of the APC protein (p.Asn2377_Gln2381del), but otherwise preserves the integrity of the reading frame. This variant is present in population databases (no rsID available, gnomAD 0.01%). This variant has not been reported in the literature in individuals affected with APC-related conditions. ClinVar contains an entry for this variant (Variation ID: 482291). Experimental studies and prediction algorithms are not available or were not evaluated, and the functional significance of this variant is currently unknown. In summary, the available evidence is currently insufficient to determine the role of this variant in disease. Therefore, it has been classified as a Variant of Uncertain Significance.

Laboratorio de Genetica e Diagnostico Molecular, Hospital Israelita Albert Einstein
Classification: Uncertain significance for Familial adenomatous polyposis 1. Last evaluated: 2023-02-03. Review status: criteria provided, single submitter. Criteria: ACMG Guidelines, 2015. Collection method: clinical testing. Allele origin: germline. Affected: yes. Observed: 1 variant allele.
Comment: ACMG classification criteria: PM2 supporting, PM4

Sema4
Classification: Uncertain significance for Hereditary cancer-predisposing syndrome. Last evaluated: 2021-06-02. Review status: criteria provided, single submitter. Criteria: Sema4 Curation Guidelines. Collection method: curation. Allele origin: germline.
Comment: The APC c.7130_7144del (p.N2377_Q2381del) variant has not been reported in the literature to our knowledge. It was observed in 2/16196 chromosomes of the African/African American subpopulation in the large and broad cohorts of the Genome Aggregation Database. The variant has been reported in ClinVar (Variation ID 482291). This deletion includes amino acids that are well conserved, though functional studies have not evaluated the effect on protein function. The evidence is insufficient to meet ACMG/AMP criteria for classifying the variant as benign or pathogenic. Thus, the clinical significance of this variant is currently uncertain.

Ambry Genetics
Classification: Uncertain significance for Hereditary cancer-predisposing syndrome. Last evaluated: 2020-11-05. Review status: criteria provided, single submitter. Criteria: Ambry Variant Classification Scheme 2023. Collection method: clinical testing. Allele origin: germline.
Comment: The c.7130_7144del15 variant (also known as p.N2377_Q2381del) is located in coding exon 15 of the APC gene. This variant results from an in-frame ACCTTACCAAACAAA deletion at nucleotide positions 7130 to 7144. This results in the deletion of five amino acids between codons 2377 and 2381. This region is well conserved in available vertebrate species. In addition, the in silico prediction for this alteration is inconclusive (Choi Y et al. PLoS ONE. 2012; 7(10):e46688). Since supporting evidence is limited at this time, the clinical significance of this alteration remains unclear.

NM_000038.6(APC):c.7130_7144del (p.Asn2377_Gln2381del)

Gene: APC (APC regulator of Wnt signaling pathway; plus strand). Cytogenetic location: 5q22.2.
Variant type: Deletion.
Coding change: c.7130_7144del on transcript NM_000038.6 (MANE Select); coding-DNA positions 7130 to 7144, 15 bases deleted (ACCTTACCAAACAAA).
Protein change: p.Asn2377_Gln2381del.
Molecular consequence: inframe deletion.
Genome position (GRCh38, 1-based): chr5:112,842,724-112,842,738, ACCTTACCAAACAAA deleted; deleting any 15 consecutive bases within chr5:112,842,723-112,842,738 gives the same sequence; the c. name uses the placement nearest the transcript's 3' end. VCF-style (leftmost placement, unchanged base first): chr5-112842722-GAACCTTACCAAACAA-G. GRCh37 (hg19) VCF-style: chr5-112178419-GAACCTTACCAAACAA-G.
Other names: c.7130_7144del, p.Asn2377_Gln2381del (NM_001127510.3, NM_001354895.2); c.7076_7090del, p.Asn2359_Gln2363del (NM_001127511.3); c.7184_7198del, p.Asn2395_Gln2399del (NM_001354896.2); c.7160_7174del, p.Asn2387_Gln2391del (NM_001354897.2); c.7055_7069del, p.Asn2352_Gln2356del (NM_001354898.2); c.7046_7060del, p.Asn2349_Gln2353del (NM_001354899.2); c.7007_7021del, p.Asn2336_Gln2340del (NM_001354900.2); c.6953_6967del, p.Asn2318_Gln2322del (NM_001354901.2); and 5 more.
Identifiers: ClinVar variation 482291 (VCV000482291.15), dbSNP rs1472879431, ClinGen allele CA562217618.